The following is an entry in ClinVar:

ClinVar aggregate classification (germline): Uncertain significance (1 of 4 stars; one submission).

Conditions:
Congenital neutropenia-myelofibrosis-nephromegaly syndrome. Also called: Severe congenital neutropenia 5, autosomal recessive. Identifiers: Orphanet 369852, MedGen C3809031, MONDO:0014118, OMIM 615285.

gnomAD v4.1: 2 of 1,614,164 alleles (0.00012%); highest among the groups gnomAD compares: Non-Finnish European, 0.00017%; no homozygotes.

Submission:

Labcorp Genetics (formerly Invitae), Labcorp
Classification: Uncertain significance for Congenital neutropenia-myelofibrosis-nephromegaly syndrome. Last evaluated: 2022-05-30. Review status: criteria provided, single submitter. Criteria: Invitae Variant Classification Sherloc (09022015). Collection method: clinical testing. Allele origin: germline.
Comment: This sequence change replaces leucine, which is neutral and non-polar, with methionine, which is neutral and non-polar, at codon 357 of the VPS45 protein (p.Leu357Met). This variant is present in population databases (rs782023404, gnomAD 0.0009%). This variant has not been reported in the literature in individuals affected with VPS45-related conditions. Algorithms developed to predict the effect of missense changes on protein structure and function are either unavailable or do not agree on the potential impact of this missense change (SIFT: "Deleterious"; PolyPhen-2: "Possibly Damaging"; Align-GVGD: "Class C0"). In summary, the available evidence is currently insufficient to determine the role of this variant in disease. Therefore, it has been classified as a Variant of Uncertain Significance.

NM_007259.5(VPS45):c.1069C>A (p.Leu357Met)

Gene: VPS45 (vacuolar protein sorting 45 homolog; plus strand). Cytogenetic location: 1q21.2.
Variant type: single nucleotide variant.
Coding change: c.1069C>A on transcript NM_007259.5 (MANE Select); coding-DNA position 1069, C replaced by A.
Protein change: p.Leu357Met; replaces leucine 357 with methionine.
Molecular consequence: missense variant. On other transcripts: non-coding transcript variant (1).
Genome position (GRCh38, 1-based): chr1:150,082,848, C>A. VCF-style: chr1-150082848-C-A. GRCh37 (hg19) VCF-style: chr1-150054932-C-A.
Other names: c.754C>A, p.Leu252Met (NM_001279353.2); c.961C>A, p.Leu321Met (NM_001279354.2); short protein forms L252M, L357M, L321M.
Identifiers: ClinVar variation 1936458 (VCV001936458.2), dbSNP rs782023404, ClinGen allele CA1073300.
Genomic context (GRCh38, chr1:150,082,848, plus strand): 5'-GAACTGTCTCGATTGGTCAGTGAACGGAATCTGCTGGAGGTTTCAGAGGTTGAGCAAGAA[C>A]TGGCCTGTCAAAATGACCATTCTAGTGCTCTCCAGGTCAGTCCAATTTGATGAGCACCTA-3'
Protein context (NP_009190.2, residues 347-367): LLEVSEVEQE[Leu357Met]ACQNDHSSAL